The following is an entry in ClinVar:

NM_006017.3(PROM1):c.1279T>A (p.Leu427Met)

Gene: PROM1 (prominin 1; minus strand). Cytogenetic location: 4p15.32.
Variant type: single nucleotide variant.
Coding change: c.1279T>A on transcript NM_006017.3 (MANE Select); coding-DNA position 1279, T replaced by A.
Protein change: p.Leu427Met; replaces leucine 427 with methionine.
Molecular consequence: missense variant.
Genome position (GRCh38, 1-based): chr4:16,008,971, A>T on the plus strand (T>A on the coding strand, the complement: PROM1 is on the minus strand). VCF-style: chr4-16008971-A-T. GRCh37 (hg19) VCF-style: chr4-16010594-A-T.
Other names: c.1252T>A, p.Leu418Met (NM_001145847.2, NM_001145848.2, NM_001145851.2 and 4 more transcripts); c.1279T>A, p.Leu427Met (NM_001145849.2, NM_001145850.2); short protein forms L427M, L418M.
Identifiers: ClinVar variation 347994 (VCV000347994.13), dbSNP rs200710798, ClinGen allele CA10620411.

ClinVar aggregate classification (germline): Uncertain significance. Review status: criteria provided, multiple submitters, no conflicts (2 of 4 stars). 6 submissions from 3 submitters: Uncertain significance (6). Last evaluated 2022-03-10.

Conditions:
Retinitis pigmentosa (RP). Identifiers: Orphanet 791, MedGen C0035334, MeSH D012174, MONDO:0019200, OMIM 268000. Inheritance: Autosomal dominant, autosomal recessive and X linked inheritance.
Cone-rod dystrophy 12 (CORD12). Identifiers: Orphanet 1872, MedGen C2675210, MONDO:0012983, OMIM 612657.
Retinal macular dystrophy type 2 (MCDR2). Also called: Bull's eye macular dystrophy. Identifiers: Orphanet 319640, MedGen C4749334, MONDO:0011957, OMIM 608051.
Stargardt disease 4 (STGD4). Identifiers: Orphanet 827, MedGen C1863534, MONDO:0011370, OMIM 603786.

gnomAD v4.1: 1 of 1,591,910 alleles (0.000063%); no homozygotes.

Submissions (6):

Labcorp Genetics (formerly Invitae), Labcorp
Classification: Uncertain significance. Last evaluated: 2022-03-10. Review status: criteria provided, single submitter. Criteria: Invitae Variant Classification Sherloc (09022015). Collection method: clinical testing. Allele origin: germline.
Comment: Algorithms developed to predict the effect of missense changes on protein structure and function output the following: SIFT: "Tolerated"; PolyPhen-2: "Benign"; Align-GVGD: "Class C0". The methionine amino acid residue is found in multiple mammalian species, which suggests that this missense change does not adversely affect protein function. In summary, the available evidence is currently insufficient to determine the role of this variant in disease. Therefore, it has been classified as a Variant of Uncertain Significance. This variant has not been reported in the literature in individuals affected with PROM1-related conditions. This sequence change replaces leucine, which is neutral and non-polar, with methionine, which is neutral and non-polar, at codon 427 of the PROM1 protein (p.Leu427Met). This variant is not present in population databases (gnomAD no frequency). ClinVar contains an entry for this variant (Variation ID: 347994).

Blueprint Genetics
Classification: Uncertain significance. Last evaluated: 2021-02-03. Review status: criteria provided, single submitter. Criteria: ACMG Guidelines, 2015. Collection method: clinical testing. Allele origin: germline.

Illumina Laboratory Services, Illumina
Classification: Uncertain significance for Stargardt disease 4. Last evaluated: 2018-01-13. Review status: criteria provided, single submitter. Criteria: ICSL Variant Classification Criteria 13 December 2019. Collection method: clinical testing. Allele origin: germline.

Illumina Laboratory Services, Illumina
Classification: Uncertain significance for Cone-rod dystrophy 12. Last evaluated: 2018-01-13. Review status: criteria provided, single submitter. Criteria: ICSL Variant Classification Criteria 13 December 2019. Collection method: clinical testing. Allele origin: germline.

Illumina Laboratory Services, Illumina
Classification: Uncertain significance for Retinitis pigmentosa. Last evaluated: 2018-01-13. Review status: criteria provided, single submitter. Criteria: ICSL Variant Classification Criteria 13 December 2019. Collection method: clinical testing. Allele origin: germline.

Illumina Laboratory Services, Illumina
Classification: Uncertain significance for Retinal macular dystrophy type 2. Last evaluated: 2018-01-13. Review status: criteria provided, single submitter. Criteria: ICSL Variant Classification Criteria 13 December 2019. Collection method: clinical testing. Allele origin: germline.